The following is an entry in ClinVar:

ClinVar aggregate classification (germline): Benign. Review status: criteria provided, multiple submitters, no conflicts (2 of 4 stars). 9 submissions from 9 submitters: Benign (8). 1 of the submissions does not count toward it. Last evaluated 2026-07-27.

Conditions:
Hereditary cancer-predisposing syndrome. Also called: Neoplastic Syndromes, Hereditary; Tumor predisposition; Hereditary neoplastic syndrome; Hereditary Cancer Syndrome. Identifiers: Orphanet 140162, MedGen C0027672, MeSH D009386, MONDO:0015356.
Intellectual disability, autosomal dominant 16 (CSS4). Also called: COFFIN-SIRIS SYNDROME 4. Identifiers: Orphanet 1465, MedGen C3553249, MONDO:0013821, OMIM 614609.
Rhabdoid tumor predisposition syndrome 2 (RTPS2). Identifiers: Orphanet 231108, Orphanet 69077, MedGen C2750074, MONDO:0013224, OMIM 613325.

Allele frequency attached by ClinVar (database versions not stated): 1000 Genomes Project 30x 0.00344; TOPMed 0.00213; ESP Exome Variant Server 0.00261; 1000 Genomes Project 0.00319; gnomAD 0.00196 and 0.00205.
gnomAD v4.1: 612 of 1,614,008 alleles (0.038%); highest among the groups gnomAD compares: African/African-American, 0.75%; 7 homozygotes.

Submissions (9):

Myriad Genetics, Inc.
Classification: Benign for Rhabdoid tumor predisposition syndrome 2. Last evaluated: 2026-07-27. Review status: criteria provided, single submitter. Criteria: Myriad Autosomal Dominant, Autosomal Recessive and X-Linked Classification Criteria (2023). Collection method: clinical testing. Allele origin: unknown.
Comment: This variant is considered benign. This variant occurs in the non-coding 3' untranslated region of the gene, and is not expected to impact protein function.

Quest Diagnostics Nichols Institute San Juan Capistrano
Classification: Benign. Last evaluated: 2022-07-02. Review status: criteria provided, single submitter. Criteria: Quest Diagnostics criteria. Collection method: clinical testing. Allele origin: unknown.

CeGaT Center for Human Genetics Tuebingen
Classification: Benign. Last evaluated: 2022-06-01. Review status: criteria provided, single submitter. Criteria: CeGaT Center For Human Genetics Tuebingen Variant Classification Criteria Version 2. Collection method: clinical testing. Allele origin: germline. Affected: yes. Observed: 1 variant allele.
Comment: SMARCA4: BS1, BS2

Genome-Nilou Lab
Classification: Benign for Intellectual disability, autosomal dominant 16. Last evaluated: 2021-07-15. Review status: criteria provided, single submitter. Criteria: ACMG Guidelines, 2015. Collection method: clinical testing. Allele origin: germline. Affected: no.

Genetic Services Laboratory, University of Chicago
Classification: Benign. Last evaluated: 2019-07-03. Review status: criteria provided, single submitter. Criteria: ACMG Guidelines, 2015. Collection method: clinical testing. Allele origin: germline. Affected: no.

GeneDx
Classification: Benign. Last evaluated: 2018-12-18. Review status: criteria provided, single submitter. Criteria: GeneDx Variant Classification Process June 2021. Collection method: clinical testing. Allele origin: germline. Affected: yes.
Comment: This variant is associated with the following publications: (PMID: 24728327)

Eurofins Ntd Llc (ga)
Classification: Benign. Last evaluated: 2018-03-12. Review status: criteria provided, single submitter. Criteria: EGL ClinVar v180209 classification definitions. Collection method: clinical testing. Allele origin: germline. Observed: 1 variant allele, 1 heterozygote.

Ambry Genetics
Classification: Benign for Hereditary cancer-predisposing syndrome. Last evaluated: 2015-05-20. Review status: criteria provided, single submitter. Criteria: Ambry Variant Classification Scheme 2023. Collection method: clinical testing. Allele origin: germline.

ITMI
No classification provided. Condition: AllHighlyPenetrant. Last evaluated: 2013-09-19. Review status: no classification provided. Collection method: reference population. Allele origin: germline. Not counted in ClinVar's aggregate classification.
Comment: Please see associated publication for description of ethnicities

Literature cited by the submitters: PubMed 24728327 (cited by Quest Diagnostics Nichols Institute San Juan Capistrano and ITMI).

NM_003072.5(SMARCA4):c.*1G>T

Gene: SMARCA4 (SWI/SNF related BAF chromatin remodeling complex subunit ATPase 4; plus strand). Cytogenetic location: 19p13.2.
Variant type: single nucleotide variant.
Coding change: c.*1G>T on transcript NM_003072.5 (MANE Select); 1 bases downstream of the stop codon, G replaced by T.
Molecular consequence: 3 prime UTR variant. On other transcripts: non-coding transcript variant (1).
Genome position (GRCh38, 1-based): chr19:11,061,817, G>T. VCF-style: chr19-11061817-G-T. GRCh37 (hg19) VCF-style: chr19-11172493-G-T.
Other names: c.*1G>T (NM_001128844.3, NM_001128845.2, NM_001128846.2 and 5 more transcripts).
Identifiers: ClinVar variation 133386 (VCV000133386.44), dbSNP rs76118382, ClinGen allele CA156477.